The following is an entry in ClinVar:

ClinVar aggregate classification (germline): Uncertain significance. Review status: criteria provided, multiple submitters, no conflicts (2 of 4 stars). 6 submissions from 6 submitters: Uncertain significance (6). Last evaluated 2026-02-08.

Conditions:
CASR-related disorder. Also called: CASR-related condition.
Epilepsy, idiopathic generalized, susceptibility to, 8. Identifiers: MedGen C2752062, MONDO:0013032, OMIM 612899.
Autosomal dominant hypocalcemia 1 (HYPOC1). Also called: HYPOCALCEMIA, FAMILIAL. Identifiers: MedGen C3715128, MONDO:0011013, OMIM 601198.
Neonatal severe primary hyperparathyroidism. Identifiers: Orphanet 417, MedGen C1832615, MONDO:0009397, OMIM 239200.
Familial hypocalciuric hypercalcemia 1. Also called: Hypercalcemia, familial benign type 1. Identifiers: Orphanet 405, Orphanet 93372, MedGen C0342637, MONDO:0007791, OMIM 145980.
Familial hypocalciuric hypercalcemia (FHH). Also called: Familial benign hypercalcemia. Identifiers: Orphanet 405, MedGen C1809471, MONDO:0018458.
Nephrolithiasis/nephrocalcinosis. Identifiers: MedGen CN580796.

Allele frequency attached by ClinVar (database versions not stated): gnomAD 0.00001; ExAC 0.00002; gnomAD exomes 0.00002 and 0.00005; TOPMed 0.00002; ESP Exome Variant Server 0.00008.
gnomAD v4.1: 71 of 1,613,504 alleles (0.0044%); highest among the groups gnomAD compares: Non-Finnish European, 0.0057%; no homozygotes.

Submissions (6):

PreventionGenetics, part of Exact Sciences
Classification: Uncertain significance for CASR-related condition. Last evaluated: 2026-02-08. Review status: criteria provided, single submitter. Criteria: ACMG Guidelines, 2015. Collection method: clinical testing. Allele origin: germline.
Comment: The CASR c.2246G>A variant is predicted to result in the amino acid substitution p.Cys749Tyr. This variant has been reported in two siblings with familial hypocalciuric hypercalcemia (FHH), however, the variant was also identified in their normocalcemic father, and functional studies suggest that this variant does not impact protein function (described as C739Y, Magno et al. 2020. PubMed ID: 32638038). This variant is reported in 0.0053% of alleles in individuals of European (Non-Finnish) descent in gnomAD. At this time, the clinical significance of this variant is uncertain due to the absence of conclusive functional and genetic evidence.

Labcorp Genetics (formerly Invitae), Labcorp
Classification: Uncertain significance for Familial hypocalciuric hypercalcemia; Autosomal dominant hypocalcemia 1. Last evaluated: 2025-09-04. Review status: criteria provided, single submitter. Criteria: Invitae Variant Classification Sherloc (09022015). Collection method: clinical testing. Allele origin: germline.
Comment: This sequence change replaces cysteine, which is neutral and slightly polar, with tyrosine, which is neutral and polar, at codon 739 of the CASR protein (p.Cys739Tyr). This variant is present in population databases (rs375468610, gnomAD 0.005%). This missense change has been observed in individual(s) with clinical features of hypocalciuric hypercalcemia (PMID: 32638038). ClinVar contains an entry for this variant (Variation ID: 446992). An algorithm developed to predict the effect of missense changes on protein structure and function (PolyPhen-2) suggests that this variant is likely to be tolerated. Experimental studies have shown that this missense change does not substantially affect CASR function (PMID: 32638038). In summary, the available evidence is currently insufficient to determine the role of this variant in disease. Therefore, it has been classified as a Variant of Uncertain Significance.

CeGaT Center for Human Genetics Tuebingen
Classification: Uncertain significance. Last evaluated: 2025-02-01. Review status: criteria provided, single submitter. Criteria: CeGaT Center For Human Genetics Tuebingen Variant Classification Criteria Version 2. Collection method: clinical testing. Allele origin: germline. Affected: yes. Observed: 1 variant allele.
Comment: CASR: PM2, PP3

Ambry Genetics
Classification: Uncertain significance for Nephrolithiasis/nephrocalcinosis. Last evaluated: 2024-03-13. Review status: criteria provided, single submitter. Criteria: Ambry Variant Classification Scheme 2023. Collection method: clinical testing. Allele origin: germline.
Comment: The p.C739Y variant (also known as c.2216G>A), located in coding exon 6 of the CASR gene, results from a G to A substitution at nucleotide position 2216. The cysteine at codon 739 is replaced by tyrosine, an amino acid with highly dissimilar properties. This alteration was identified in two siblings diagnosed with familial hypocalciuric hypercalcemia (FHH) however functional studies indicated that this variant most likely was not causing FHH (Magno AL et al. Calcif Tissue Int, 2020 09;107:230-239). This amino acid position is highly conserved in available vertebrate species. In addition, this alteration is predicted to be deleterious by in silico analysis. In addition, the evidence for the gene-disease relationship is limited for pancreatitis and cancer predisposition; therefore, the clinical significance of this variant for CASR-related pancreatitis and cancer predisposition is unclear. Since supporting evidence is limited at this time, the clinical significance of this alteration remains unclear.

Fulgent Genetics
Classification: Uncertain significance for Familial hypocalciuric hypercalcemia 1; Neonatal severe primary hyperparathyroidism; Autosomal dominant hypocalcemia 1; Epilepsy, idiopathic generalized, susceptibility to, 8. Last evaluated: 2022-03-15. Review status: criteria provided, single submitter. Criteria: ACMG Guidelines, 2015. Collection method: clinical testing. Allele origin: unknown.

Athena Diagnostics
Classification: Uncertain significance. Last evaluated: 2016-08-16. Review status: criteria provided, single submitter. Criteria: Athena Diagnostics Criteria. Collection method: clinical testing. Allele origin: germline.

Literature cited by the submitters: PubMed 32638038 (cited by Labcorp Genetics (formerly Invitae), Labcorp and Ambry Genetics).

NM_000388.4(CASR):c.2216G>A (p.Cys739Tyr)

Gene: CASR (calcium sensing receptor; plus strand). Cytogenetic location: 3q21.1.
Variant type: single nucleotide variant.
Coding change: c.2216G>A on transcript NM_000388.4 (MANE Select); coding-DNA position 2216, G replaced by A.
Protein change: p.Cys739Tyr; replaces cysteine 739 with tyrosine.
Molecular consequence: missense variant.
Genome position (GRCh38, 1-based): chr3:122,284,170, G>A. VCF-style: chr3-122284170-G-A. GRCh37 (hg19) VCF-style: chr3-122003017-G-A.
Other names: c.2246G>A, p.Cys749Tyr (NM_001178065.2); c.2246G>A (NM_001178065.1); short protein forms C739Y, C749Y.
Identifiers: ClinVar variation 446992 (VCV000446992.29), dbSNP rs375468610, ClinGen allele CA2569795.